The following is an entry in ClinVar:

NM_012470.4(TNPO3):c.2046G>T (p.Gln682His)

Gene: TNPO3 (transportin 3; minus strand). Cytogenetic location: 7q32.1.
Variant type: single nucleotide variant.
Coding change: c.2046G>T on transcript NM_012470.4 (MANE Select); coding-DNA position 2046, G replaced by T.
Protein change: p.Gln682His; replaces glutamine 682 with histidine.
Molecular consequence: missense variant. On other transcripts: non-coding transcript variant (14), intron variant (1).
Genome position (GRCh38, 1-based): chr7:128,978,998, C>A on the plus strand (G>T on the coding strand, the complement: TNPO3 is on the minus strand). VCF-style: chr7-128978998-C-A. GRCh37 (hg19) VCF-style: chr7-128619052-C-A.
Other names: c.1854G>T, p.Gln618His (NM_001191028.3, NM_001382223.1); c.2148G>T, p.Gln716His (NM_001382216.1); c.2127G>T, p.Gln709His (NM_001382217.1); c.2046G>T, p.Gln682His (NM_001382218.1); c.1938G>T, p.Gln646His (NM_001382219.1); c.1902G>T, p.Gln634His (NM_001382221.1); c.1899G>T, p.Gln633His (NM_001382222.1); c.1920+973G>T (NM_001382220.1); short protein forms Q634H, Q709H, Q646H, Q633H, Q682H, Q618H, Q716H.
Identifiers: ClinVar variation 2705435 (VCV002705435.3), dbSNP rs200886980, ClinGen allele CA166209264.

ClinVar aggregate classification (germline): Uncertain significance (1 of 4 stars; one submission).

Conditions:
Autosomal dominant limb-girdle muscular dystrophy type 1F (LGMDD2). Also called: Limb-girdle muscular dystrophy, type 1F; MUSCULAR DYSTROPHY, LIMB-GIRDLE, AUTOSOMAL DOMINANT 2. Identifiers: Orphanet 55595, MedGen C1842062, MONDO:0012034, OMIM 608423.

Submission:

Labcorp Genetics (formerly Invitae), Labcorp
Classification: Uncertain significance for Autosomal dominant limb-girdle muscular dystrophy type 1F. Last evaluated: 2023-12-25. Review status: criteria provided, single submitter. Criteria: Invitae Variant Classification Sherloc (09022015). Collection method: clinical testing. Allele origin: germline.
Comment: This sequence change replaces glutamine, which is neutral and polar, with histidine, which is basic and polar, at codon 682 of the TNPO3 protein (p.Gln682His). This variant is not present in population databases (gnomAD no frequency). This variant has not been reported in the literature in individuals affected with TNPO3-related conditions. Advanced modeling of protein sequence and biophysical properties (such as structural, functional, and spatial information, amino acid conservation, physicochemical variation, residue mobility, and thermodynamic stability) performed at Invitae indicates that this missense variant is not expected to disrupt TNPO3 protein function with a negative predictive value of 80%. In summary, the available evidence is currently insufficient to determine the role of this variant in disease. Therefore, it has been classified as a Variant of Uncertain Significance.